The following is an entry in ClinVar:

ClinVar aggregate classification (germline): Benign. Review status: criteria provided, multiple submitters, no conflicts (2 of 4 stars). 2 submissions from 2 submitters: Benign (2). Last evaluated 2018-06-14.

Allele frequency attached by ClinVar (database versions not stated): gnomAD exomes 0.04029; gnomAD 0.05650 and 0.05959; TOPMed 0.06363; 1000 Genomes Project 0.09345; 1000 Genomes Project 30x 0.09354.
gnomAD v4.1: 25,912 of 569,710 alleles (4.5%); highest among the groups gnomAD compares: Admixed American, 15%; 1,298 homozygotes.

Submissions (2):

GeneDx
Classification: Benign. Last evaluated: 2018-06-14. Review status: criteria provided, single submitter. Criteria: GeneDx Variant Classification (06012015). Collection method: clinical testing. Allele origin: germline. Affected: yes.
Comment: This variant is considered likely benign or benign based on one or more of the following criteria: it is a conservative change, it occurs at a poorly conserved position in the protein, it is predicted to be benign by multiple in silico algorithms, and/or has population frequency not consistent with disease.

Breakthrough Genomics
Classification: Benign. Review status: criteria provided, single submitter. Criteria: ACMG Guidelines, 2015. Collection method: not provided. Allele origin: germline. Inheritance: Autosomal recessive inheritance. Affected: yes.

NM_001267550.2(TTN):c.34538-123A>G

Gene: TTN (titin; minus strand). Cytogenetic location: 2q31.2.
Variant type: single nucleotide variant.
Coding change: c.34538-123A>G on transcript NM_001267550.2 (MANE Select); 123 bases into the intron before coding-DNA position 34538, A replaced by G.
Molecular consequence: intron variant.
Genome position (GRCh38, 1-based): chr2:178,675,236, T>C on the plus strand (A>G on the coding strand, the complement: TTN is on the minus strand). VCF-style: chr2-178675236-T-C. GRCh37 (hg19) VCF-style: chr2-179539963-T-C.
Other names: c.13283-32919A>G (NM_003319.4); c.13859-32919A>G (NM_133437.4); c.13658-32919A>G (NM_133432.3); c.30635-123A>G (NM_133378.4); c.33416-123A>G (NM_001256850.1).
Identifiers: ClinVar variation 672610 (VCV000672610.2), dbSNP rs13398590, ClinGen allele CA60979818.